The following is an entry in ClinVar:

ClinVar aggregate classification (germline): Conflicting classifications of pathogenicity. Review status: criteria provided, conflicting classifications (1 of 4 stars). 2 submissions from 2 submitters: Uncertain significance (1); Benign (1). Last evaluated 2025-10-24.

Conditions:
Hereditary cancer-predisposing syndrome. Also called: Hereditary Cancer Syndrome; Neoplastic Syndromes, Hereditary; Tumor predisposition; Hereditary neoplastic syndrome. Identifiers: Orphanet 140162, MedGen C0027672, MeSH D009386, MONDO:0015356.
Fanconi anemia complementation group O. Also called: RAD51C-Related Fanconi Anemia. Identifiers: Orphanet 84, MedGen C3150653, MONDO:0013248, OMIM 613390.

gnomAD v4.1: 1 of 1,614,112 alleles (0.000062%); highest among the groups gnomAD compares: Non-Finnish European, 0.000085%; no homozygotes.

Submissions (2):

Ambry Genetics
Classification: Benign for Hereditary cancer-predisposing syndrome. Last evaluated: 2025-10-24. Review status: criteria provided, single submitter. Criteria: Ambry Variant Classification Scheme 2023. Collection method: clinical testing. Allele origin: germline.

Labcorp Genetics (formerly Invitae), Labcorp
Classification: Uncertain significance for Fanconi anemia complementation group O. Last evaluated: 2023-01-17. Review status: criteria provided, single submitter. Criteria: Invitae Variant Classification Sherloc (09022015). Collection method: clinical testing. Allele origin: germline.
Comment: This variant has not been reported in the literature in individuals affected with RAD51C-related conditions. ClinVar contains an entry for this variant (Variation ID: 232148). Advanced modeling of protein sequence and biophysical properties (such as structural, functional, and spatial information, amino acid conservation, physicochemical variation, residue mobility, and thermodynamic stability) has been performed at Invitae for this missense variant, however the output from this modeling did not meet the statistical confidence thresholds required to predict the impact of this variant on RAD51C protein function. In summary, the available evidence is currently insufficient to determine the role of this variant in disease. Therefore, it has been classified as a Variant of Uncertain Significance. This variant is not present in population databases (gnomAD no frequency). This sequence change replaces leucine, which is neutral and non-polar, with phenylalanine, which is neutral and non-polar, at codon 90 of the RAD51C protein (p.Leu90Phe).

NM_058216.3(RAD51C):c.268C>T (p.Leu90Phe)

Gene: RAD51C (RAD51 paralog C; plus strand). Cytogenetic location: 17q22.
Variant type: single nucleotide variant.
Coding change: c.268C>T on transcript NM_058216.3 (MANE Select); coding-DNA position 268, C replaced by T.
Protein change: p.Leu90Phe; replaces leucine 90 with phenylalanine.
Molecular consequence: missense variant. On other transcripts: non-coding transcript variant (2).
Genome position (GRCh38, 1-based): chr17:58,695,053, C>T. VCF-style: chr17-58695053-C-T. GRCh37 (hg19) VCF-style: chr17-56772414-C-T.
Other names: c.268C>T, p.Leu90Phe (NM_002876.4); short protein forms L90F.
Identifiers: ClinVar variation 232148 (VCV000232148.16), dbSNP rs876659585, ClinGen allele CA10580731.